The following is an entry in ClinVar:

NM_000155.4(GALT):c.50del (p.Ala17fs)

Gene: GALT (galactose-1-phosphate uridylyltransferase; plus strand). Cytogenetic location: 9p13.3.
Variant type: Deletion.
Coding change: c.50del on transcript NM_000155.4 (MANE Select); coding-DNA position 50, one base deleted (C; older notation c.50delC).
Protein change: p.Ala17fs; shifts the reading frame from alanine 17.
Molecular consequence: frameshift variant. On other transcripts: 5 prime UTR variant (1).
Genome position (GRCh38, 1-based): chr9:34,646,754, C deleted. VCF-style (leftmost placement, unchanged base first): chr9-34646753-GC-G. GRCh37 (hg19) VCF-style: chr9-34646750-GC-G.
Other names: c.-153del (NM_001258332.2); short protein forms A17fs.
Identifiers: ClinVar variation 4068288 (VCV004068288.2).

ClinVar aggregate classification (germline): Likely pathogenic (1 of 4 stars; one submission).

Conditions:
Galactosemia. Also called: Galactose intolerance. Identifiers: Orphanet 352, MedGen C0016952, MONDO:0018116, HP:0004919. Disease mechanism: loss of function.

Submission:

Natera, Inc.
Classification: Likely pathogenic for Galactosemia. Last evaluated: 2025-03-27. Review status: criteria provided, single submitter. Criteria: Natera Variant Classification Schema (03/2026). Collection method: clinical testing. Allele origin: germline.
Comment: The c.50del variant in GALT is a frameshift variant predicted to shift the reading frame beginning at codon 17 and leads to a stop codon 33 codons downstream. This variant is expected to result in nonsense mediated decay, truncation, or a dysfunctional protein product. This variant is rare in the general population with a frequency below the threshold expected for the associated phenotype(s). Given the available evidence, this variant is classified as Likely Pathogenic.